The following is an entry in ClinVar:

NM_000393.5(COL5A2):c.1060-4T>A

Gene: COL5A2 (collagen type V alpha 2 chain; minus strand). Cytogenetic location: 2q32.2.
Variant type: single nucleotide variant.
Coding change: c.1060-4T>A on transcript NM_000393.5 (MANE Select); 4 bases into the intron before coding-DNA position 1060, T replaced by A.
Molecular consequence: intron variant.
Genome position (GRCh38, 1-based): chr2:189,075,441, A>T on the plus strand (T>A on the coding strand, the complement: COL5A2 is on the minus strand). VCF-style: chr2-189075441-A-T. GRCh37 (hg19) VCF-style: chr2-189940167-A-T.
Identifiers: ClinVar variation 3057792 (VCV003057792.3), dbSNP rs2469330760, ClinGen allele CA2740096391.

ClinVar aggregate classification (germline): Likely benign. Review status: criteria provided, single submitter (1 of 4 stars). 2 submissions from 2 submitters: Likely benign (1). 1 of the submissions does not count toward it. Last evaluated 2022-11-01.

Conditions:
COL5A2-related disorder. Also called: COL5A2-related condition.

Submissions (2):

Blueprint Genetics
Classification: Likely benign. Last evaluated: 2022-11-01. Review status: criteria provided, single submitter. Criteria: ACMG Guidelines, 2015. Collection method: clinical testing. Allele origin: germline.

PreventionGenetics, part of Exact Sciences
Classification: Likely benign for COL5A2-related condition. Last evaluated: 2019-03-07. Review status: no assertion criteria provided. Collection method: clinical testing. Allele origin: germline. Not counted in ClinVar's aggregate classification.
Comment: This variant is classified as likely benign based on ACMG/AMP sequence variant interpretation guidelines (Richards et al. 2015 PMID: 25741868, with internal and published modifications).